The following is an entry in ClinVar:

ClinVar aggregate classification (germline): Pathogenic (1 of 4 stars; one submission).

Submission:

Mayo Clinic Laboratories, Mayo Clinic
Classification: Pathogenic. Last evaluated: 2019-05-20. Review status: criteria provided, single submitter. Criteria: ACMG Guidelines, 2015. Collection method: clinical testing. Allele origin: germline. Observed: 1 variant allele.
Comment: PVS1, PM2, PP4

NM_000548.5(TSC2):c.4810_4811del (p.Gly1604fs)

Gene: TSC2 (TSC complex subunit 2; plus strand). Cytogenetic location: 16p13.3.
Variant type: Deletion.
Coding change: c.4810_4811del on transcript NM_000548.5 (MANE Select); coding-DNA positions 4810 to 4811, 2 bases deleted (GG; older notation c.4810_4811delGG).
Protein change: p.Gly1604fs; shifts the reading frame from glycine 1604.
Molecular consequence: frameshift variant.
Genome position (GRCh38, 1-based): chr16:2,086,340-2,086,341, GG deleted. VCF-style (leftmost placement, unchanged base first): chr16-2086339-CGG-C. GRCh37 (hg19) VCF-style: chr16-2136340-CGG-C.
Other names: c.4609_4610del, p.Gly1537fs (NM_001077183.3); c.4741_4742del, p.Gly1581fs (NM_001114382.3); c.4501_4502del, p.Gly1501fs (NM_001318827.2); c.4465_4466del, p.Gly1489fs (NM_001318829.2); c.4078_4079del, p.Gly1360fs (NM_001318831.2); c.4642_4643del, p.Gly1548fs (NM_001318832.2); c.4612_4613del, p.Gly1538fs (NM_001363528.2); c.4678_4679del, p.Gly1560fs (NM_001370404.1); and 1 more; short protein forms G1360fs, G1489fs, G1501fs, G1537fs, G1538fs, G1548fs, G1560fs, G1561fs.
Identifiers: ClinVar variation 1163386 (VCV001163386.5), dbSNP rs2151575311, ClinGen allele CA2499223346.